The following is an entry in ClinVar:

NM_005445.4(SMC3):c.547+6A>G

Gene: SMC3 (structural maintenance of chromosomes 3; plus strand). Cytogenetic location: 10q25.2.
Variant type: single nucleotide variant.
Coding change: c.547+6A>G on transcript NM_005445.4 (MANE Select); 6 bases into the intron after coding-DNA position 547, A replaced by G.
Molecular consequence: intron variant.
Genome position (GRCh38, 1-based): chr10:110,581,027, A>G. VCF-style: chr10-110581027-A-G. GRCh37 (hg19) VCF-style: chr10-112340785-A-G.
Identifiers: ClinVar variation 2725602 (VCV002725602.3), dbSNP rs1166243518, ClinGen allele CA595713459.

ClinVar aggregate classification (germline): Uncertain significance (1 of 4 stars; one submission).

Conditions:
Cornelia de Lange syndrome 3 (CDLS3). Also called: SMC3-Related Cornelia de Lange Syndrome; CORNELIA DE LANGE SYNDROME 3 WITH OR WITHOUT MIDLINE BRAIN DEFECTS. Identifiers: Orphanet 199, MedGen C1853099, MONDO:0012555, OMIM 610759.

Allele frequency attached by ClinVar (database versions not stated): gnomAD exomes 0.00001; gnomAD 0.00003; TOPMed 0.00003.
gnomAD v4.1: 22 of 1,433,744 alleles (0.0015%); highest among the groups gnomAD compares: Non-Finnish European, 0.0021%; no homozygotes.

Submission:

Labcorp Genetics (formerly Invitae), Labcorp
Classification: Uncertain significance for Cornelia de Lange syndrome 3. Last evaluated: 2023-10-06. Review status: criteria provided, single submitter. Criteria: Invitae Variant Classification Sherloc (09022015). Collection method: clinical testing. Allele origin: germline.
Comment: This sequence change falls in intron 8 of the SMC3 gene. It does not directly change the encoded amino acid sequence of the SMC3 protein. It affects a nucleotide within the consensus splice site. This variant is present in population databases (no rsID available, gnomAD 0.007%). This variant has not been reported in the literature in individuals affected with SMC3-related conditions. Variants that disrupt the consensus splice site are a relatively common cause of aberrant splicing (PMID: 17576681, 9536098). Algorithms developed to predict the effect of sequence changes on RNA splicing suggest that this variant is not likely to affect RNA splicing. In summary, the available evidence is currently insufficient to determine the role of this variant in disease. Therefore, it has been classified as a Variant of Uncertain Significance.

Literature cited by the submitters: PubMed 17576681; PubMed 9536098.